The following is an entry in ClinVar:

ClinVar aggregate classification (germline): Benign. Review status: criteria provided, multiple submitters, no conflicts (2 of 4 stars). 5 submissions from 5 submitters: Benign (3). 2 of the submissions do not count toward it. Last evaluated 2026-01-27.

Conditions:
Frank-Ter Haar syndrome. Also called: TER HAAR SYNDROME; Borrone di Rocco Crovato syndrome; MELNICK-NEEDLES SYNDROME, AUTOSOMAL RECESSIVE; BORRONE DERMATOCARDIOSKELETAL SYNDROME. Identifiers: Orphanet 1266, Orphanet 137834, MedGen C1855305, MONDO:0009579, OMIM 249420.

Allele frequency attached by ClinVar (database versions not stated): 1000 Genomes Project 0.00938; 1000 Genomes Project 30x 0.00953; gnomAD 0.00989 and 0.01032; gnomAD exomes 0.01073 and 0.01124; TOPMed 0.01137; ExAC 0.01159; ESP Exome Variant Server 0.01169.

Submissions (5):

Labcorp Genetics (formerly Invitae), Labcorp
Classification: Benign. Last evaluated: 2026-01-27. Review status: criteria provided, single submitter. Criteria: Invitae Variant Classification Sherloc (09022015). Collection method: clinical testing. Allele origin: germline.

Genome-Nilou Lab
Classification: Benign for Frank-Ter Haar syndrome. Last evaluated: 2021-07-15. Review status: criteria provided, single submitter. Criteria: ACMG Guidelines, 2015. Collection method: clinical testing. Allele origin: germline. Affected: no.

Illumina Laboratory Services, Illumina
Classification: Benign for Frank-Ter Haar syndrome. Last evaluated: 2018-01-13. Review status: criteria provided, single submitter. Criteria: ICSL Variant Classification Criteria 13 December 2019. Collection method: clinical testing. Allele origin: germline.
Comment: This variant was observed in the ICSL laboratory as part of a predisposition screen in an ostensibly healthy population. It had not been previously curated by ICSL or reported in the Human Gene Mutation Database (HGMD: prior to June 1st, 2018), and was therefore a candidate for classification through an automated scoring system. Utilizing variant allele frequency, disease prevalence and penetrance estimates, and inheritance mode, an automated score was calculated to assess if this variant is too frequent to cause the disease. Based on the score and internal cut-off values, a variant classified as benign is not then subjected to further curation. The score for this variant resulted in a classification of benign for this disease.

Joint Genome Diagnostic Labs from Nijmegen and Maastricht, Radboudumc and MUMC+
Classification: Benign. Review status: no assertion criteria provided. Collection method: clinical testing. Allele origin: germline. Affected: yes. Study: VKGL Data-share Consensus. Not counted in ClinVar's aggregate classification.

Laboratory of Diagnostic Genome Analysis, Leiden University Medical Center (LUMC)
Classification: Likely benign. Review status: no assertion criteria provided. Collection method: clinical testing. Allele origin: germline. Affected: yes. Study: VKGL Data-share Consensus. Not counted in ClinVar's aggregate classification.

NM_001017995.3(SH3PXD2B):c.986C>T (p.Pro329Leu)

Gene: SH3PXD2B (SH3 and PX domains 2B; minus strand). Cytogenetic location: 5q35.1.
Variant type: single nucleotide variant.
Coding change: c.986C>T on transcript NM_001017995.3 (MANE Select); coding-DNA position 986, C replaced by T.
Protein change: p.Pro329Leu; replaces proline 329 with leucine.
Molecular consequence: missense variant.
Genome position (GRCh38, 1-based): chr5:172,350,389, G>A on the plus strand (C>T on the coding strand, the complement: SH3PXD2B is on the minus strand). VCF-style: chr5-172350389-G-A. GRCh37 (hg19) VCF-style: chr5-171777393-G-A.
Other names: c.986C>T, p.Pro329Leu (NM_001308175.2); short protein forms P329L.
Identifiers: ClinVar variation 903986 (VCV000903986.17), dbSNP rs75198607, ClinGen allele CA3561364.